The following is an entry in ClinVar:

ClinVar aggregate classification (germline): Benign. Review status: criteria provided, single submitter (1 of 4 stars). 2 submissions from 2 submitters: Benign (1). 1 of the submissions does not count toward it. Last evaluated 2018-07-31.

Conditions:
PRKCB-related disorder. Also called: PRKCB-related condition.

Allele frequency attached by ClinVar (database versions not stated): gnomAD exomes 0.00032 and 0.00076; ExAC 0.00104; gnomAD 0.00242 and 0.00249; ESP Exome Variant Server 0.00262; TOPMed 0.00296; 1000 Genomes Project 0.00339; 1000 Genomes Project 30x 0.00390.
gnomAD v4.1: 866 of 1,611,716 alleles (0.054%); highest among the groups gnomAD compares: African/African-American, 0.94%; 4 homozygotes.

Submissions (2):

Labcorp Genetics (formerly Invitae), Labcorp
Classification: Benign. Last evaluated: 2018-07-31. Review status: criteria provided, single submitter. Criteria: Invitae Variant Classification Sherloc (09022015). Collection method: clinical testing. Allele origin: germline.

PreventionGenetics, part of Exact Sciences
Classification: Benign for PRKCB-related condition. Last evaluated: 2019-07-30. Review status: no assertion criteria provided. Collection method: clinical testing. Allele origin: germline. Not counted in ClinVar's aggregate classification.
Comment: This variant is classified as benign based on ACMG/AMP sequence variant interpretation guidelines (Richards et al. 2015 PMID: 25741868, with internal and published modifications).

NM_002738.7(PRKCB):c.1723-4G>A

Gene: PRKCB (protein kinase C beta; plus strand). Cytogenetic location: 16p12.2.
Variant type: single nucleotide variant.
Coding change: c.1723-4G>A on transcript NM_002738.7 (MANE Select); 4 bases into the intron before coding-DNA position 1723, G replaced by A.
Molecular consequence: intron variant.
Genome position (GRCh38, 1-based): chr16:24,191,086, G>A. VCF-style: chr16-24191086-G-A. GRCh37 (hg19) VCF-style: chr16-24202407-G-A.
Other names: c.1723-4G>A (NM_212535.3).
Identifiers: ClinVar variation 710349 (VCV000710349.5), dbSNP rs114192994, ClinGen allele CA7966588.
Genomic context (GRCh38, chr16:24,191,086, plus strand): 5'-TCTGAGTGTCTTACATTTCCTCTTCTGAAACTCAGCAAATTCAATGTTTTTCTTTCTCTC[G>A]AAGCTGATGACCAAACACCCAGGCAAACGTCTGGGTTGTGGACCTGAAGGCGAACGTGAT-3'